The following is an entry in ClinVar:

NM_006766.5(KAT6A):c.1599-9C>T

Gene: KAT6A (lysine acetyltransferase 6A; minus strand). Cytogenetic location: 8p11.21.
Variant type: single nucleotide variant.
Coding change: c.1599-9C>T on transcript NM_006766.5 (MANE Select); 9 bases into the intron before coding-DNA position 1599, C replaced by T.
Molecular consequence: intron variant.
Genome position (GRCh38, 1-based): chr8:41,949,372, G>A on the plus strand (C>T on the coding strand, the complement: KAT6A is on the minus strand). VCF-style: chr8-41949372-G-A. GRCh37 (hg19) VCF-style: chr8-41806890-G-A.
Other names: c.1599-9C>T (NM_001305878.2).
Identifiers: ClinVar variation 770571 (VCV000770571.39), dbSNP rs74337152, ClinGen allele CA4730060.

ClinVar aggregate classification (germline): Benign/Likely benign. Review status: criteria provided, multiple submitters, no conflicts (2 of 4 stars). 5 submissions from 5 submitters: Benign (4); Likely benign (1). Last evaluated 2026-09-01.

Conditions:
Autosomal dominant intellectual disability-craniofacial anomalies-cardiac defects syndrome (ARTHS). Also called: KAT6A syndrome; Mental retardation, autosomal dominant 32; Arboleda-Tham syndrome. Identifiers: Orphanet 457193, MedGen C4225396, MONDO:0014558, OMIM 616268.

Allele frequency attached by ClinVar (database versions not stated): 1000 Genomes Project 0.00359; 1000 Genomes Project 30x 0.00390; TOPMed 0.00416; gnomAD 0.00424 and 0.00442; ESP Exome Variant Server 0.00454; gnomAD exomes 0.00553; ExAC 0.00592.
gnomAD v4.1: 8,372 of 1,474,696 alleles (0.57%); highest among the groups gnomAD compares: Middle Eastern, 0.83%; 36 homozygotes.

Submissions (5):

CeGaT Center for Human Genetics Tuebingen
Classification: Benign. Last evaluated: 2026-09-01. Review status: criteria provided, single submitter. Criteria: CeGaT Center For Human Genetics Tuebingen Variant Classification Criteria Version 2. Collection method: clinical testing. Allele origin: germline. Affected: yes. Observed: 17 variant alleles.
Comment: KAT6A: BS1, BS2

Labcorp Genetics (formerly Invitae), Labcorp
Classification: Benign. Last evaluated: 2026-02-03. Review status: criteria provided, single submitter. Criteria: Invitae Variant Classification Sherloc (09022015). Collection method: clinical testing. Allele origin: germline.

Fulgent Genetics
Classification: Likely benign for Autosomal dominant intellectual disability-craniofacial anomalies-cardiac defects syndrome. Last evaluated: 2022-01-03. Review status: criteria provided, single submitter. Criteria: ACMG Guidelines, 2015. Collection method: clinical testing. Allele origin: unknown.

GeneDx
Classification: Benign. Last evaluated: 2019-04-03. Review status: criteria provided, single submitter. Criteria: GeneDx Variant Classification Process June 2021. Collection method: clinical testing. Allele origin: germline. Affected: yes.

Breakthrough Genomics
Classification: Benign. Review status: criteria provided, single submitter. Criteria: ACMG Guidelines, 2015. Collection method: not provided. Allele origin: germline. Inheritance: Autosomal dominant inheritance. Affected: yes.